The following is an entry in ClinVar:

NM_001330078.2(NRXN1):c.3365-109726G>A

Gene: NRXN1 (neurexin 1; minus strand). Cytogenetic location: 2p16.3.
Variant type: single nucleotide variant.
Coding change: c.3365-109726G>A on transcript NM_001330078.2 (MANE Select); 109726 bases into the intron before coding-DNA position 3365, G replaced by A.
Molecular consequence: intron variant. On other transcripts: missense variant (4).
Genome position (GRCh38, 1-based): chr2:50,346,696, C>T on the plus strand (G>A on the coding strand, the complement: NRXN1 is on the minus strand). VCF-style: chr2-50346696-C-T. GRCh37 (hg19) VCF-style: chr2-50573834-C-T.
Other names: c.254G>A, p.Gly85Glu (NM_001330091.2, NM_001330092.2, NM_001330097.2 and 1 more transcripts); c.3254-109726G>A (NM_001330096.2, NM_001330087.2); c.3299-109726G>A (NM_001330083.2, NM_001330084.2); c.3284-109726G>A (NM_001330088.2); c.3362-109726G>A (NM_001330093.2); c.3353-109726G>A (NM_001330094.2); c.3314-109726G>A (NM_001330095.2); c.3341-109726G>A (NM_001330082.2, NM_001330077.2); and 3 more; short protein forms G85E.
Identifiers: ClinVar variation 2663503 (VCV002663503.1), dbSNP rs975384483, ClinGen allele CA47914039.

ClinVar aggregate classification (germline): Uncertain significance (1 of 4 stars; one submission).

Allele frequency attached by ClinVar (database versions not stated): gnomAD 0.00001.
gnomAD v4.1: 4 of 1,613,272 alleles (0.00025%); highest among the groups gnomAD compares: Non-Finnish European, 0.00034%; no homozygotes.

Submission:

GeneDx
Classification: Uncertain significance. Last evaluated: 2023-10-03. Review status: criteria provided, single submitter. Criteria: GeneDx Variant Classification Process June 2021. Collection method: clinical testing. Allele origin: germline. Affected: yes.
Comment: Not observed at significant frequency in large population cohorts (gnomAD); In silico analysis supports that this missense variant does not alter protein structure/function; Has not been previously published as pathogenic or benign to our knowledge; Reported using an alternate transcript of the gene